The following is an entry in ClinVar:

ClinVar aggregate classification (germline): Uncertain significance (1 of 4 stars; one submission).

Submission:

CeGaT Center for Human Genetics Tuebingen
Classification: Uncertain significance. Last evaluated: 2025-11-01. Review status: criteria provided, single submitter. Criteria: CeGaT Center For Human Genetics Tuebingen Variant Classification Criteria Version 2. Collection method: clinical testing. Allele origin: germline. Affected: yes. Observed: 1 variant allele.
Comment: AFG3L2: PM2, BP4

NM_006796.3(AFG3L2):c.1319-8T>A

Gene: AFG3L2 (AFG3 like matrix AAA peptidase subunit 2; minus strand). Cytogenetic location: 18p11.21.
Variant type: single nucleotide variant.
Coding change: c.1319-8T>A on transcript NM_006796.3 (MANE Select); 8 bases into the intron before coding-DNA position 1319, T replaced by A.
Molecular consequence: intron variant.
Genome position (GRCh38, 1-based): chr18:12,351,421, A>T on the plus strand (T>A on the coding strand, the complement: AFG3L2 is on the minus strand). VCF-style: chr18-12351421-A-T. GRCh37 (hg19) VCF-style: chr18-12351420-A-T.
Identifiers: ClinVar variation 3389983 (VCV003389983.14).